The following is an entry in ClinVar:

NM_001330260.2(SCN8A):c.5232C>T (p.Phe1744=)

Gene: SCN8A (sodium voltage-gated channel alpha subunit 8; plus strand). Cytogenetic location: 12q13.13.
Variant type: single nucleotide variant.
Coding change: c.5232C>T on transcript NM_001330260.2 (MANE Select); coding-DNA position 5232, C replaced by T.
Protein change: p.Phe1744=; no amino-acid change (phenylalanine 1744 retained).
Molecular consequence: synonymous variant.
Genome position (GRCh38, 1-based): chr12:51,806,718, C>T. VCF-style: chr12-51806718-C-T. GRCh37 (hg19) VCF-style: chr12-52200502-C-T.
Other names: c.5109C>T, p.Phe1703= (NM_001177984.3, NM_001369788.1); c.5232C>T, p.Phe1744= (NM_014191.4).
Identifiers: ClinVar variation 508241 (VCV000508241.1), dbSNP rs1555231003, ClinGen allele CA480061839.

ClinVar aggregate classification (germline): Likely benign (1 of 4 stars; one submission).

Submission:

GeneDx
Classification: Likely benign. Last evaluated: 2017-03-22. Review status: criteria provided, single submitter. Criteria: GeneDx Variant Classification (06012015). Collection method: clinical testing. Allele origin: germline. Affected: yes.
Comment: This variant is considered likely benign or benign based on one or more of the following criteria: it is a conservative change, it occurs at a poorly conserved position in the protein, it is predicted to be benign by multiple in silico algorithms, and/or has population frequency not consistent with disease.